The following is an entry in ClinVar:

ClinVar aggregate classification (germline): Uncertain significance (1 of 4 stars; one submission).

Conditions:
Cardiovascular phenotype. Identifiers: MedGen CN230736.

Submission:

Ambry Genetics
Classification: Uncertain significance for Cardiovascular phenotype. Last evaluated: 2023-10-21. Review status: criteria provided, single submitter. Criteria: Ambry Variant Classification Scheme 2023. Collection method: clinical testing. Allele origin: germline.
Comment: The p.K2054N variant (also known as c.6162G>T), located in coding exon 40 of the RYR2 gene, results from a G to T substitution at nucleotide position 6162. The lysine at codon 2054 is replaced by asparagine, an amino acid with similar properties. This amino acid position is well conserved in available vertebrate species. In addition, this alteration is predicted to be tolerated by in silico analysis. Since supporting evidence is limited at this time, the clinical significance of this alteration remains unclear.

NM_001035.3(RYR2):c.6162G>T (p.Lys2054Asn)

Gene: RYR2 (ryanodine receptor 2; plus strand). Cytogenetic location: 1q43.
Variant type: single nucleotide variant.
Coding change: c.6162G>T on transcript NM_001035.3 (MANE Select); coding-DNA position 6162, G replaced by T.
Protein change: p.Lys2054Asn; replaces lysine 2054 with asparagine.
Molecular consequence: missense variant.
Genome position (GRCh38, 1-based): chr1:237,625,800, G>T. VCF-style: chr1-237625800-G-T. GRCh37 (hg19) VCF-style: chr1-237789100-G-T.
Other names: short protein forms K2054N.
Identifiers: ClinVar variation 3232406 (VCV003232406.1), dbSNP rs2546874369, ClinGen allele CA345409498.
Genomic context (GRCh38, chr1:237,625,800, plus strand): 5'-AAAGGTGACATATCTGAAGAAGAAGCAAGCAGAAAAACCAGTTGAGAGTGACTCCAAAAA[G>T]TCCTGTAAGCAGTATGAGAGTGCACTGGCAGAATGACCCAACTGCTGACACTTAACTCAT-3'
Protein context (NP_001026.2, residues 2044-2064): AEKPVESDSK[Lys2054Asn]SSTLQQLISE